The following is an entry in ClinVar:

NM_000051.4(ATM):c.3455C>G (p.Ser1152Cys)

Gene: ATM (ATM serine/threonine kinase; plus strand). Cytogenetic location: 11q22.3.
Variant type: single nucleotide variant.
Coding change: c.3455C>G on transcript NM_000051.4 (MANE Select); coding-DNA position 3455, C replaced by G.
Protein change: p.Ser1152Cys; replaces serine 1152 with cysteine.
Molecular consequence: missense variant.
Genome position (GRCh38, 1-based): chr11:108,281,047, C>G. VCF-style: chr11-108281047-C-G. GRCh37 (hg19) VCF-style: chr11-108151774-C-G.
Other names: c.3455C>G, p.Ser1152Cys (NM_001351834.2); c.3455C>G (NM_000051.3); short protein forms S1152C.
Identifiers: ClinVar variation 1517624 (VCV001517624.8), dbSNP rs775045299, ClinGen allele CA6265295.

ClinVar aggregate classification (germline): Uncertain significance. Review status: criteria provided, multiple submitters, no conflicts (2 of 4 stars). 2 submissions from 2 submitters: Uncertain significance (2). Last evaluated 2025-01-23.

Conditions:
Hereditary cancer-predisposing syndrome. Also called: Neoplastic Syndromes, Hereditary; Hereditary Cancer Syndrome; Tumor predisposition; Hereditary neoplastic syndrome. Identifiers: Orphanet 140162, MedGen C0027672, MeSH D009386, MONDO:0015356.
Ataxia-telangiectasia syndrome (AT). Also called: Cerebello-oculocutaneous telangiectasia; Immunodeficiency with ataxia telangiectasia; ATAXIA-TELANGIECTASIA, COMPLEMENTATION GROUP A; ATAXIA-TELANGIECTASIA, FRESNO VARIANT; Ataxia-telangiectasia, complementation group E; LOUIS-BAR SYNDROME. Identifiers: Orphanet 100, MedGen C0004135, MONDO:0008840, OMIM 208900.

Allele frequency attached by ClinVar (database versions not stated): ExAC 0.00001.

Submissions (2):

Labcorp Genetics (formerly Invitae), Labcorp
Classification: Uncertain significance for Ataxia-telangiectasia syndrome. Last evaluated: 2025-01-23. Review status: criteria provided, single submitter. Criteria: Invitae Variant Classification Sherloc (09022015). Collection method: clinical testing. Allele origin: germline.
Comment: This sequence change replaces serine, which is neutral and polar, with cysteine, which is neutral and slightly polar, at codon 1152 of the ATM protein (p.Ser1152Cys). This variant is not present in population databases (gnomAD no frequency). This variant has not been reported in the literature in individuals affected with ATM-related conditions. ClinVar contains an entry for this variant (Variation ID: 1517624). Invitae Evidence Modeling of protein sequence and biophysical properties (such as structural, functional, and spatial information, amino acid conservation, physicochemical variation, residue mobility, and thermodynamic stability) indicates that this missense variant is not expected to disrupt ATM protein function with a negative predictive value of 95%. In summary, the available evidence is currently insufficient to determine the role of this variant in disease. Therefore, it has been classified as a Variant of Uncertain Significance.

Ambry Genetics
Classification: Uncertain significance for Hereditary cancer-predisposing syndrome. Last evaluated: 2024-10-20. Review status: criteria provided, single submitter. Criteria: Ambry Variant Classification Scheme 2023. Collection method: clinical testing. Allele origin: germline.
Comment: The p.S1152C variant (also known as c.3455C>G), located in coding exon 23 of the ATM gene, results from a C to G substitution at nucleotide position 3455. The serine at codon 1152 is replaced by cysteine, an amino acid with dissimilar properties. This amino acid position is conserved. In addition, this alteration is predicted to be tolerated by in silico analysis. Based on the available evidence, the clinical significance of this variant remains unclear.